The following is an entry in ClinVar:

NM_006348.5(COG5):c.298C>T (p.Leu100Phe)

Gene: COG5 (component of oligomeric golgi complex 5; minus strand). Cytogenetic location: 7q22.3.
Variant type: single nucleotide variant.
Coding change: c.298C>T on transcript NM_006348.5 (MANE Select); coding-DNA position 298, C replaced by T.
Protein change: p.Leu100Phe; replaces leucine 100 with phenylalanine.
Molecular consequence: missense variant. On other transcripts: intron variant (1).
Genome position (GRCh38, 1-based): chr7:107,548,327, G>A on the plus strand (C>T on the coding strand, the complement: COG5 is on the minus strand). VCF-style: chr7-107548327-G-A. GRCh37 (hg19) VCF-style: chr7-107188772-G-A.
Other names: c.298C>T, p.Leu100Phe (NM_001161520.2, NM_001379511.1, NM_001379512.1 and 4 more transcripts); c.234+9649C>T (NM_001379516.1); short protein forms L131F, L100F.
Identifiers: ClinVar variation 538843 (VCV000538843.25), dbSNP rs150351852, ClinGen allele CA4431446.

ClinVar aggregate classification (germline): Conflicting classifications of pathogenicity. Review status: criteria provided, conflicting classifications (1 of 4 stars). 6 submissions from 6 submitters: Uncertain significance (4); Likely benign (1). 1 of the submissions does not count toward it. Last evaluated 2026-02-03.

Conditions:
COG5-congenital disorder of glycosylation. Also called: CDG IIi; CONGENITAL DISORDER OF GLYCOSYLATION, TYPE IIi; COG5-CDG. Identifiers: Orphanet 263487, MedGen C3150876, MONDO:0013325, OMIM 613612.

Allele frequency attached by ClinVar (database versions not stated): ESP Exome Variant Server 0.00054; ExAC 0.00069; gnomAD exomes 0.00084; gnomAD 0.00094 and 0.00096; TOPMed 0.00098.
gnomAD v4.1: 1,385 of 1,613,628 alleles (0.086%); highest among the groups gnomAD compares: Admixed American, 0.25%; 2 homozygotes.

Submissions (6):

Labcorp Genetics (formerly Invitae), Labcorp
Classification: Likely benign for COG5-congenital disorder of glycosylation. Last evaluated: 2026-02-03. Review status: criteria provided, single submitter. Criteria: Invitae Variant Classification Sherloc (09022015). Collection method: clinical testing. Allele origin: germline.

GeneDx
Classification: Uncertain significance. Last evaluated: 2024-10-21. Review status: criteria provided, single submitter. Criteria: GeneDx Variant Classification Process June 2021. Collection method: clinical testing. Allele origin: germline. Affected: yes.
Comment: In silico analysis, which includes protein predictors and evolutionary conservation, supports a deleterious effect; Has not been previously published as pathogenic or benign to our knowledge

Revvity Omics, Revvity
Classification: Uncertain significance for COG5-congenital disorder of glycosylation. Last evaluated: 2019-07-11. Review status: criteria provided, single submitter. Criteria: ACMG Guidelines, 2015. Collection method: clinical testing. Allele origin: germline.

Fulgent Genetics
Classification: Uncertain significance for COG5-congenital disorder of glycosylation. Last evaluated: 2018-10-31. Review status: criteria provided, single submitter. Criteria: ACMG Guidelines, 2015. Collection method: clinical testing. Allele origin: unknown.

Illumina Laboratory Services, Illumina
Classification: Uncertain significance for COG5-congenital disorder of glycosylation. Last evaluated: 2017-04-27. Review status: criteria provided, single submitter. Criteria: ICSL Variant Classification Criteria 13 December 2019. Collection method: clinical testing. Allele origin: germline.
Comment: This variant was observed as part of a predisposition screen in an ostensibly healthy population. A literature search was performed for the gene, cDNA change, and amino acid change (where applicable). Publications were found based on this search. However, the evidence from the literature, in combination with allele frequency data from public databases where available, was not sufficient to rule this variant in or out of causing disease. Therefore, this variant is classified as a variant of unknown significance.

Broad Center for Mendelian Genomics, Broad Institute of MIT and Harvard
Classification: Uncertain significance for COG5-congenital disorder of glycosylation. Last evaluated: 2020-11-16. Review status: no assertion criteria provided. Collection method: curation. Allele origin: germline. Inheritance: Autosomal recessive inheritance. Not counted in ClinVar's aggregate classification.
Comment: The variant has not been previously reported in individuals with COG5-CDG and has been identified in 0.21% (76/35438) of Latino chromosomes and 1 homozygote by the Genome Aggregation Database (gnomAD; dbSNP ID: rs150351852). Computational prediction tools and conservation analyses do not provide strong support for or against an impact to the protein. The p.Leu131Phe variant is located in a region of COG5 that is essential to protein folding and stability, suggesting that this variant is in a functional domain and slightly supports pathogenicity (PMID: 25331899). In summary, the clinical significance of the variant is uncertain. ACMG/AMP Criteria applied: BS1, PM1 (Richards 2015).

Literature cited by the submitters: PubMed 25331899 (cited by Illumina Laboratory Services, Illumina and Broad Center for Mendelian Genomics, Broad Institute of MIT and Harvard).